The following is an entry in ClinVar:

ClinVar aggregate classification (germline): Likely pathogenic (1 of 4 stars; one submission).

Conditions:
Developmental delay, impaired speech, and behavioral abnormalities, with or without seizures (DEDISB). Identifiers: MedGen C5575272, MONDO:0859263, OMIM 619964.

gnomAD v4.1: 3 of 1,604,354 alleles (0.00019%); highest among the groups gnomAD compares: Non-Finnish European, 0.00026%; no homozygotes.

Submission:

Juno Genomics, Hangzhou Juno Genomics, Inc
Classification: Likely pathogenic for Developmental delay, impaired speech, and behavioral abnormalities, with or without seizures. Review status: criteria provided, single submitter. Criteria: ACMG Guidelines, 2015. Collection method: clinical testing. Allele origin: germline.
Comment: Absent from controls (or at extremely low frequency if recessive) in Genome Aggregation Database.;Null variant in a gene where loss of function (LOF) is a known mechanism of disease.

NM_006421.5(ARFGEF1):c.640-2A>G

Gene: ARFGEF1 (ARF guanine nucleotide exchange factor 1; minus strand). Cytogenetic location: 8q13.2.
Variant type: single nucleotide variant.
Coding change: c.640-2A>G on transcript NM_006421.5 (MANE Select); the canonical splice acceptor site of the intron before coding-DNA position 640, A replaced by G.
Molecular consequence: splice acceptor variant.
Genome position (GRCh38, 1-based): chr8:67,292,125, T>C on the plus strand (A>G on the coding strand, the complement: ARFGEF1 is on the minus strand). VCF-style: chr8-67292125-T-C. GRCh37 (hg19) VCF-style: chr8-68204360-T-C.
Other names: c.640-2A>G (NM_001413186.1, NM_001413187.1, NM_001413185.1 and 7 more transcripts); c.40-2A>G (NM_001413188.1, NM_001413197.1, NM_001413193.1); c.-476-2A>G (NM_001413196.1).
Identifiers: ClinVar variation 5037998 (VCV005037998.2).